The following is an entry in ClinVar:

ClinVar aggregate classification (germline): Uncertain significance (1 of 4 stars; one submission).

Allele frequency attached by ClinVar (database versions not stated): ExAC 0.00001; gnomAD 0.00001; TOPMed 0.00002.
gnomAD v4.1: 11 of 1,613,958 alleles (0.00068%); highest among the groups gnomAD compares: Middle Eastern, 0.016%; no homozygotes.

Submission:

Women's Health and Genetics/Laboratory Corporation of America, LabCorp
Classification: Uncertain significance. Last evaluated: 2024-08-20. Review status: criteria provided, single submitter. Criteria: LabCorp Variant Classification Summary - May 2015. Collection method: clinical testing. Allele origin: germline.
Comment: Variant summary: ABCG8 c.*20C>T is located in the untranslated mRNA region downstream of the termination codon. The variant allele was found at a frequency of 8e-06 in 251298 control chromosomes. The available data on variant occurrences in the general population are insufficient to allow any conclusion about variant significance. To our knowledge, no occurrence of c.*20C>T in individuals affected with Early Onset Coronary Artery Disease and no experimental evidence demonstrating its impact on protein function have been reported. ClinVar contains an entry for this variant (Variation ID: 3068759). Based on the evidence outlined above, the variant was classified as uncertain significance.

NM_022437.3(ABCG8):c.*20C>T

Gene: ABCG8 (ATP binding cassette subfamily G member 8; plus strand). Cytogenetic location: 2p21.
Variant type: single nucleotide variant.
Coding change: c.*20C>T on transcript NM_022437.3 (MANE Select); 20 bases downstream of the stop codon, C replaced by T.
Molecular consequence: 3 prime UTR variant.
Genome position (GRCh38, 1-based): chr2:43,877,933, C>T. VCF-style: chr2-43877933-C-T. GRCh37 (hg19) VCF-style: chr2-44105072-C-T.
Other names: c.*20C>T (NM_001357321.2).
Identifiers: ClinVar variation 3068759 (VCV003068759.2), dbSNP rs199903255, ClinGen allele CA1637744.